The following is an entry in ClinVar:

ClinVar aggregate classification (germline): Pathogenic (1 of 4 stars; one submission).

Submission:

GeneDx
Classification: Pathogenic. Last evaluated: 2018-07-04. Review status: criteria provided, single submitter. Criteria: GeneDx Variant Classification (06012015). Collection method: clinical testing. Allele origin: germline. Affected: yes.
Comment: The c.1172_1208dup37 variant in the NR5A1 gene has not been reported previously as a pathogenic variant nor as a benign variant, to our knowledge. The c.1172_1208dup37 variant causes a frameshift starting with codon Aspartic Acid 403, changes this amino acid to a Glutamic Acid residue, and creates a premature Stop codon at position 13 of the new reading frame, denoted p.Asp403GlufsX13. This variant is predicted to cause loss of normal protein function through protein truncation. The c.1172_1208dup37 variant is not observed in large population cohorts (Lek et al., 2016). We interpret c.1172_1208dup37 as a pathogenic variant.

NM_004959.5(NR5A1):c.1172_1208dup (p.Asp403delinsGluArgArgSerGlyGluGlyGlnArgArgProAlaTer)

Gene: NR5A1 (nuclear receptor subfamily 5 group A member 1; minus strand). Cytogenetic location: 9q33.3.
Variant type: Duplication.
Coding change: c.1172_1208dup on transcript NM_004959.5 (MANE Select); coding-DNA positions 1172 to 1208, 37 bases duplicated.
Protein change: p.Asp403delinsGluArgArgSerGlyGluGlyGlnArgArgProAlaTer.
Molecular consequence: nonsense.
Genome position (GRCh38, 1-based): chr9:124,482,936-124,482,972, 37 bases duplicated; duplicating any 37 consecutive bases within chr9:124,482,936-124,482,975 gives the same sequence; the c. name uses the placement nearest the transcript's 3' end. GRCh37 (hg19): chr9:127,245,218-127,245,254.
Identifiers: ClinVar variation 817717 (VCV000817717.1), dbSNP rs1588613754, ClinGen allele CA915947188.
Genomic context (GRCh38, chr9:124,482,935, plus strand): 5'-CAGGCACAGCAGCAGCTGCTGGAATTTGTCCCCGCAGTGCGGGTAGTGGCACAGGGTGTA[G>GTCAAGCAGGGCGGCGTTGGCCTTCTCCTGAGCGTCTT]TCAAGCAGGGCGGCGTTGGCCTTCTCCTGAGCGTCTTTCACCAGGATGTGGTTATTCAGG-3'